The following is an entry in ClinVar:

ClinVar aggregate classification (germline): Pathogenic (1 of 4 stars; one submission).

Conditions:
Mitochondrial complex I deficiency, nuclear type 5. Also called: Mitochondrial complex 1 deficiency, nuclear type 5. Identifiers: MedGen C4748754, MONDO:0032610, OMIM 618226.

Submission:

Victorian Clinical Genetics Services, Murdoch Childrens Research Institute
Classification: Pathogenic for Mitochondrial complex I deficiency, nuclear type 5. Last evaluated: 2023-07-17. Review status: criteria provided, single submitter. Criteria: ACMG Guidelines, 2015. Collection method: clinical testing. Allele origin: germline. Inheritance: Autosomal recessive inheritance. Affected: yes.
Comment: Based on the classification scheme VCGS_Germline_v1.3.4, this variant is classified as Pathogenic. Following criteria are met: 0102 - Loss of function is a known mechanism of disease in this gene and is associated with mitochondrial complex I deficiency, nuclear type 5, (MIM#618226). (I) 0106 - This gene is associated with autosomal recessive disease. (I) 0201 - Variant is predicted to cause nonsense-mediated decay (NMD) and loss of protein (premature termination codon is located at least 54 nucleotides upstream of the final exon-exon junction). (SP) 0251 - This variant is heterozygous. (I) 0304 - Variant is present in gnomAD (v2) <0.01 for a recessive condition (1 heterozygote, 0 homozygotes). (SP) 0701 - Other NMD predicted variants comparable to the one identified in this case have very strong previous evidence for pathogenicity (DECIPHER, ClinVar). (SP) 0807 - This variant has no previous evidence of pathogenicity. (I) 0905 - No published segregation evidence has been identified for this variant. (I) 1007 - No published functional evidence has been identified for this variant. (I) Legend: (SP) - Supporting pathogenic, (I) - Information, (SB) - Supporting benign

NM_005006.7(NDUFS1):c.1880_1881del (p.Leu626_Ser627insTer)

Gene: NDUFS1 (NADH:ubiquinone oxidoreductase core subunit S1; minus strand). Cytogenetic location: 2q33.3.
Variant type: Microsatellite.
Coding change: c.1880_1881del on transcript NM_005006.7 (MANE Select); coding-DNA positions 1880 to 1881, 2 bases deleted (CT; older notation c.1880_1881delCT).
Protein change: p.Leu626_Ser627insTer.
Molecular consequence: nonsense.
Genome position (GRCh38, 1-based): chr2:206,127,800-206,127,801, AG deleted on the plus strand (CT on the coding strand, the reverse complement: NDUFS1 is on the minus strand); deleting any 2 consecutive bases within chr2:206,127,800-206,127,805 gives the same sequence; the c. name uses the placement nearest the transcript's 3' end. VCF-style (leftmost placement, unchanged base first): chr2-206127799-CAG-C. GRCh37 (hg19) VCF-style: chr2-206992523-CAG-C.
Other names: c.1772_1773del, p.Leu590_Ser591insTer (NM_001199981.2); c.1547_1548del, p.Leu515_Ser516insTer (NM_001199982.2); c.1709_1710del, p.Leu569_Ser570insTer (NM_001199983.2); c.1922_1923del, p.Leu640_Ser641insTer (NM_001199984.2).
Identifiers: ClinVar variation 3254827 (VCV003254827.1), dbSNP rs1179324500.
Genomic context (GRCh38, chr2:206,127,799, plus strand): 5'-GCTAAAATATCAAATATGCCTTTAGTAGCATCACTAAGAAATGACTCAGAAATTATACCT[CAG>C]AGAGTGCTCTTATAATTTTCCAGTCTTCTCTTGCCAAGCCAGGAGGTGTCACTGCTACCT-3'